The following is an entry in ClinVar:

ClinVar aggregate classification (germline): Uncertain significance (1 of 4 stars; one submission).

Conditions:
Pitt-Hopkins-like syndrome 2 (PTHSL2). Identifiers: Orphanet 221150, Orphanet 600663, MedGen C3280479, MONDO:0013690, OMIM 614325.

Submission:

Labcorp Genetics (formerly Invitae), Labcorp
Classification: Uncertain significance for Pitt-Hopkins-like syndrome 2. Last evaluated: 2024-01-07. Review status: criteria provided, single submitter. Criteria: Invitae Variant Classification Sherloc (09022015). Collection method: clinical testing. Allele origin: germline.
Comment: This sequence change replaces isoleucine, which is neutral and non-polar, with threonine, which is neutral and polar, at codon 415 of the NRXN1 protein (p.Ile415Thr). This variant is not present in population databases (gnomAD no frequency). This variant has not been reported in the literature in individuals affected with NRXN1-related conditions. An algorithm developed to predict the effect of missense changes on protein structure and function (PolyPhen-2) suggests that this variant is likely to be tolerated. In summary, the available evidence is currently insufficient to determine the role of this variant in disease. Therefore, it has been classified as a Variant of Uncertain Significance.

NM_001330078.2(NRXN1):c.1145T>C (p.Ile382Thr)

Gene: NRXN1 (neurexin 1; minus strand). Cytogenetic location: 2p16.3.
Variant type: single nucleotide variant.
Coding change: c.1145T>C on transcript NM_001330078.2 (MANE Select); coding-DNA position 1145, T replaced by C.
Protein change: p.Ile382Thr; replaces isoleucine 382 with threonine.
Molecular consequence: missense variant. On other transcripts: intron variant (6).
Genome position (GRCh38, 1-based): chr2:50,621,239, A>G on the plus strand (T>C on the coding strand, the complement: NRXN1 is on the minus strand). VCF-style: chr2-50621239-A-G. GRCh37 (hg19) VCF-style: chr2-50848377-A-G.
Other names: c.1085T>C, p.Ile362Thr (NM_001330083.2, NM_001330084.2); c.1145T>C, p.Ile382Thr (NM_001330085.2, NM_001330086.2, NM_004801.6); c.1142T>C, p.Ile381Thr (NM_001330093.2); c.1133T>C, p.Ile378Thr (NM_001330094.2); c.1075-1056T>C (NM_001330096.2, NM_001330087.2); c.1105-1056T>C (NM_001330088.2); c.1135-1056T>C (NM_001330095.2, NM_001330082.2, NM_001330077.2); c.1244T>C, p.Ile415Thr (NM_001135659.3); short protein forms I362T, I382T, I415T, I378T, I381T.
Identifiers: ClinVar variation 2705878 (VCV002705878.3), dbSNP rs2466835433, ClinGen allele CA346822017.